The following is an entry in ClinVar:

NM_000090.4(COL3A1):c.1862G>A (p.Gly621Glu)

Gene: COL3A1 (collagen type III alpha 1 chain; plus strand). Cytogenetic location: 2q32.2.
Variant type: single nucleotide variant.
Coding change: c.1862G>A on transcript NM_000090.4 (MANE Select); coding-DNA position 1862, G replaced by A.
Protein change: p.Gly621Glu; replaces glycine 621 with glutamic acid.
Molecular consequence: missense variant.
Genome position (GRCh38, 1-based): chr2:188,997,382, G>A. VCF-style: chr2-188997382-G-A. GRCh37 (hg19) VCF-style: chr2-189862108-G-A.
Identifiers: ClinVar variation 101344 (VCV000101344.3), dbSNP rs587779539, ClinGen allele CA004636.

ClinVar aggregate classification (germline): Likely pathogenic. Review status: criteria provided, single submitter (1 of 4 stars). 2 submissions from 2 submitters: Likely pathogenic (1). 1 of the submissions does not count toward it. Last evaluated 2025-04-22.

Conditions:
Ehlers-Danlos syndrome, type 4 (EDSVASC). Also called: Ehlers-Danlos syndrome vascular type; Ehlers Danlos syndrome, ecchymotic type; Ehlers Danlos syndrome, arterial type; Ehlers Danlos syndrome, Sack-Barabas type; Ehlers-Danlos Syndrome Type IV. Identifiers: Orphanet 286, MedGen C0268338, MONDO:0017314, OMIM 130050.

Submissions (2):

GeneDx
Classification: Likely pathogenic. Last evaluated: 2025-04-22. Review status: criteria provided, single submitter. Criteria: GeneDx Variant Classification Process June 2021. Collection method: clinical testing. Allele origin: germline. Affected: yes.
Comment: Occurs in the triple helical domain and replaces the glycine in the canonical Gly-X-Y repeat; missense substitution of a canonical glycine residue is expected to disrupt normal protein folding and function, and this is an established mechanism of disease (HGMD); Not observed at significant frequency in large population cohorts (gnomAD); In silico analysis supports that this missense variant has a deleterious effect on protein structure/function; This variant is associated with the following publications: (PMID: 19955990, 36189931, 25525159)

Collagen Diagnostic Laboratory, University of Washington
Classification: Pathogenic for Ehlers-Danlos syndrome, type 4. Review status: no assertion criteria provided. Collection method: clinical testing. Allele origin: germline. Affected: yes. Not counted in ClinVar's aggregate classification.